The following is an entry in ClinVar:

ClinVar aggregate classification (germline): Uncertain significance (1 of 4 stars; one submission).

Conditions:
Rhabdoid tumor predisposition syndrome 2 (RTPS2). Identifiers: Orphanet 231108, Orphanet 69077, MedGen C2750074, MONDO:0013224, OMIM 613325.

Submission:

Labcorp Genetics (formerly Invitae), Labcorp
Classification: Uncertain significance for Rhabdoid tumor predisposition syndrome 2. Last evaluated: 2021-10-16. Review status: criteria provided, single submitter. Criteria: Invitae Variant Classification Sherloc (09022015). Collection method: clinical testing. Allele origin: germline.
Comment: This sequence change falls in intron 32 of the SMARCA4 gene. It does not directly change the encoded amino acid sequence of the SMARCA4 protein. It affects a nucleotide within the consensus splice site. This variant is not present in population databases (ExAC no frequency). In summary, the available evidence is currently insufficient to determine the role of this variant in disease. Therefore, it has been classified as a Variant of Uncertain Significance. Variants that disrupt the consensus splice site are a relatively common cause of aberrant splicing (PMID: 17576681, 9536098). Algorithms developed to predict the effect of sequence changes on RNA splicing suggest that this variant is not likely to affect RNA splicing. This variant has not been reported in the literature in individuals affected with SMARCA4-related conditions.

Literature cited by the submitters: PubMed 17576681; PubMed 9536098.

NM_003072.5(SMARCA4):c.4533+6C>G

Gene: SMARCA4 (SWI/SNF related BAF chromatin remodeling complex subunit ATPase 4; plus strand). Cytogenetic location: 19p13.2.
Variant type: single nucleotide variant.
Coding change: c.4533+6C>G on transcript NM_003072.5 (MANE Select); 6 bases into the intron after coding-DNA position 4533, C replaced by G.
Molecular consequence: intron variant.
Genome position (GRCh38, 1-based): chr19:11,058,369, C>G. VCF-style: chr19-11058369-C-G. GRCh37 (hg19) VCF-style: chr19-11169045-C-G.
Other names: c.4533+6C>G (NM_001128844.3); c.4629+6C>G (NM_001128849.3, NM_001387283.1); c.4434+6C>G (NM_001128847.4, NM_001374457.1); c.4443+6C>G (NM_001128845.2); c.4440+6C>G (NM_001128846.2); c.4431+6C>G (NM_001128848.2).
Identifiers: ClinVar variation 1387452 (VCV001387452.6), dbSNP rs1311909722, ClinGen allele CA2573155612.
Genomic context (GRCh38, chr19:11,058,369, plus strand): 5'-GCTGCCCGAGTACTACGAGCTCATCCGCAAGCCCGTGGACTTCAAGAAGATAAAGGTAAC[C>G]CTGACGTTGTACCTGCGCCCCGCATGTGCCCGGAGGGGAGTCTGACCCAGGGGCACCCCC-3'